The following is an entry in ClinVar:

NM_144687.4(NLRP12):c.1790G>A (p.Ser597Asn)

Gene: NLRP12 (NLR family pyrin domain containing 12; minus strand). Cytogenetic location: 19q13.42.
Variant type: single nucleotide variant.
Coding change: c.1790G>A on transcript NM_144687.4 (MANE Select); coding-DNA position 1790, G replaced by A.
Protein change: p.Ser597Asn; replaces serine 597 with asparagine.
Molecular consequence: missense variant.
Genome position (GRCh38, 1-based): chr19:53,809,869, C>T on the plus strand (G>A on the coding strand, the complement: NLRP12 is on the minus strand). VCF-style: chr19-53809869-C-T. GRCh37 (hg19) VCF-style: chr19-54313123-C-T.
Other names: c.1790G>A, p.Ser597Asn (NM_001277126.2, NM_001277129.1); c.1790G>A (NM_144687.2); short protein forms S597N.
Identifiers: ClinVar variation 950998 (VCV000950998.11), dbSNP rs748314396, ClinGen allele CA9639350.

ClinVar aggregate classification (germline): Conflicting classifications of pathogenicity. Review status: criteria provided, conflicting classifications (1 of 4 stars). 3 submissions from 3 submitters: Uncertain significance (2); Likely benign (1). Last evaluated 2025-11-07.

Conditions:
Familial cold autoinflammatory syndrome 2 (FCAS2). Identifiers: Orphanet 247868, MedGen C2673198, MONDO:0012724, OMIM 611762.
Inborn genetic diseases. Identifiers: MedGen C0950123, MeSH D030342.
Autoinflammatory syndrome. Identifiers: Orphanet 93665, MedGen C3890737, MONDO:0019751.

Allele frequency attached by ClinVar (database versions not stated): ExAC 0.00002; gnomAD exomes 0.00002 and 0.00009; TOPMed 0.00003; gnomAD 0.00007 and 0.00008.
gnomAD v4.1: 144 of 1,614,028 alleles (0.0089%); highest among the groups gnomAD compares: Non-Finnish European, 0.012%; no homozygotes.

Submissions (3):

Labcorp Genetics (formerly Invitae), Labcorp
Classification: Uncertain significance for Familial cold autoinflammatory syndrome 2. Last evaluated: 2025-11-07. Review status: criteria provided, single submitter. Criteria: Invitae Variant Classification Sherloc (09022015). Collection method: clinical testing. Allele origin: germline.
Comment: This sequence change replaces serine, which is neutral and polar, with asparagine, which is neutral and polar, at codon 597 of the NLRP12 protein (p.Ser597Asn). This variant is present in population databases (rs748314396, gnomAD 0.004%). This variant has not been reported in the literature in individuals affected with NLRP12-related conditions. ClinVar contains an entry for this variant (Variation ID: 950998). Invitae Evidence Modeling of protein sequence and biophysical properties (such as structural, functional, and spatial information, amino acid conservation, physicochemical variation, residue mobility, and thermodynamic stability) indicates that this missense variant is not expected to disrupt NLRP12 protein function with a negative predictive value of 80%. In summary, the available evidence is currently insufficient to determine the role of this variant in disease. Therefore, it has been classified as a Variant of Uncertain Significance.

Ambry Genetics
Classification: Uncertain significance for Inborn genetic diseases. Last evaluated: 2023-10-20. Review status: criteria provided, single submitter. Criteria: Ambry Variant Classification Scheme 2023. Collection method: clinical testing. Allele origin: germline.

Genome Diagnostics Laboratory, The Hospital for Sick Children
Classification: Likely benign for Autoinflammatory syndrome. Last evaluated: 2021-10-08. Review status: criteria provided, single submitter. Criteria: ACMG Guidelines, 2015. Collection method: clinical testing. Allele origin: germline. Affected: yes.